The following is an entry in ClinVar:

NM_000294.3(PHKG2):c.802-17C>T

Gene: PHKG2 (phosphorylase kinase catalytic subunit gamma 2; plus strand). Cytogenetic location: 16p11.2.
Variant type: single nucleotide variant.
Coding change: c.802-17C>T on transcript NM_000294.3 (MANE Select); 17 bases into the intron before coding-DNA position 802, C replaced by T.
Molecular consequence: intron variant.
Genome position (GRCh38, 1-based): chr16:30,756,573, C>T. VCF-style: chr16-30756573-C-T. GRCh37 (hg19) VCF-style: chr16-30767894-C-T.
Other names: c.802-17C>T (NM_001172432.2).
Identifiers: ClinVar variation 389794 (VCV000389794.5), dbSNP rs772388120, ClinGen allele CA8013309.
Genomic context (GRCh38, chr16:30,756,573, plus strand): 5'-AAGACCTGGTGAGCGGGGGCTGAGAGGACAGTAGGGGAGGCCCAAGAGCTGCCCCTCATG[C>T]TCTGGGTCTCTCCTAGATCTCCAGGCTGCTGCAGGTGGATCCTGAGGCACGCCTGACAGC-3'

ClinVar aggregate classification (germline): Benign/Likely benign. Review status: criteria provided, multiple submitters, no conflicts (2 of 4 stars). 2 submissions from 2 submitters: Benign (1); Likely benign (1). Last evaluated 2025-12-08.

Conditions:
Glycogen storage disease IXc (GSD9C). Also called: GSD IXc. Identifiers: Orphanet 264580, MedGen C2751643, MONDO:0013091, OMIM 613027.

Allele frequency attached by ClinVar (database versions not stated): gnomAD 0.00003; TOPMed 0.00014; gnomAD exomes 0.00016 and 0.00034; ExAC 0.00033.
gnomAD v4.1: 97 of 1,613,426 alleles (0.006%); highest among the groups gnomAD compares: Admixed American, 0.16%; 2 homozygotes.

Submissions (2):

Labcorp Genetics (formerly Invitae), Labcorp
Classification: Benign for Glycogen storage disease IXc. Last evaluated: 2025-12-08. Review status: criteria provided, single submitter. Criteria: Invitae Variant Classification Sherloc (09022015). Collection method: clinical testing. Allele origin: germline.

GeneDx
Classification: Likely benign. Last evaluated: 2016-10-14. Review status: criteria provided, single submitter. Criteria: GeneDx Variant Classification (06012015). Collection method: clinical testing. Allele origin: germline. Affected: yes.
Comment: This variant is considered likely benign or benign based on one or more of the following criteria: it is a conservative change, it occurs at a poorly conserved position in the protein, it is predicted to be benign by multiple in silico algorithms, and/or has population frequency not consistent with disease.